The following is an entry in ClinVar:

ClinVar aggregate classification (germline): Uncertain significance (1 of 4 stars; one submission).

Submission:

Labcorp Genetics (formerly Invitae), Labcorp
Classification: Uncertain significance. Last evaluated: 2022-05-18. Review status: criteria provided, single submitter. Criteria: Invitae Variant Classification Sherloc (09022015). Collection method: clinical testing. Allele origin: germline.
Comment: In summary, the available evidence is currently insufficient to determine the role of this variant in disease. Therefore, it has been classified as a Variant of Uncertain Significance. Algorithms developed to predict the effect of missense changes on protein structure and function (SIFT, PolyPhen-2, Align-GVGD) all suggest that this variant is likely to be disruptive. This variant has not been reported in the literature in individuals affected with CTF1-related conditions. The frequency data for this variant in the population databases is considered unreliable, as metrics indicate insufficient coverage at this position in the gnomAD database. This sequence change replaces leucine, which is neutral and non-polar, with proline, which is neutral and non-polar, at codon 111 of the CTF1 protein (p.Leu111Pro).

NM_001330.5(CTF1):c.332T>C (p.Leu111Pro)

Genes: CTF1 (cardiotrophin 1; plus strand), LOC130058878 (ATAC-STARR-seq lymphoblastoid silent region 7400; plus strand). Cytogenetic location: 16p11.2.
Variant type: single nucleotide variant.
Coding change: c.332T>C on transcript NM_001330.5 (MANE Select); coding-DNA position 332, T replaced by C.
Protein change: p.Leu111Pro; replaces leucine 111 with proline.
Molecular consequence: missense variant. On other transcripts: non-coding transcript variant (1).
Genome position (GRCh38, 1-based): chr16:30,902,265, T>C. VCF-style: chr16-30902265-T-C. GRCh37 (hg19) VCF-style: chr16-30913586-T-C.
Other names: c.329T>C, p.Leu110Pro (NM_001142544.3); short protein forms L110P, L111P.
Identifiers: ClinVar variation 2164314 (VCV002164314.4), dbSNP rs1427866527, ClinGen allele CA395618871.